The following is an entry in ClinVar:

NM_024301.5(FKRP):c.162_165dup (p.Phe56fs)

Gene: FKRP (fukutin related protein; plus strand). Cytogenetic location: 19q13.32.
Variant type: Duplication.
Coding change: c.162_165dup on transcript NM_024301.5 (MANE Select); coding-DNA positions 162 to 165, 4 bases duplicated (GGAG; older notation c.162_165dupGGAG).
Protein change: p.Phe56fs; shifts the reading frame from phenylalanine 56.
Molecular consequence: frameshift variant.
Genome position (GRCh38, 1-based): chr19:46,755,612-46,755,615, GGAG duplicated; duplicating any 4 consecutive bases within chr19:46,755,611-46,755,615 gives the same sequence; the c. name uses the placement nearest the transcript's 3' end. VCF-style (leftmost placement, unchanged base first): chr19-46755610-C-CGGGA. GRCh37 (hg19) VCF-style: chr19-47258867-C-CGGGA.
Other names: p.Phe56Glyfs*6; c.162_165dup, p.Phe56fs (NM_001039885.3); c.162_165dupGGAG (NM_024301.4, NM_024301.5); short protein forms F56fs.
Identifiers: ClinVar variation 282866 (VCV000282866.29), dbSNP rs886042506, ClinGen allele CA10604327.

ClinVar aggregate classification (germline): Pathogenic/Likely pathogenic. Review status: criteria provided, multiple submitters, no conflicts (2 of 4 stars). 12 submissions from 12 submitters: Pathogenic (10); Likely pathogenic (1). 1 of the submissions does not count toward it. Last evaluated 2026-01-17.

Conditions:
FKRP-related disorder. Also called: FKRP-related condition.
Cardiovascular phenotype. Identifiers: MedGen CN230736.
Walker-Warburg congenital muscular dystrophy. Also called: Muscular dystrophy-dystroglycanopathy, type A; Walker-Warburg syndrome. Identifiers: Orphanet 899, MedGen C0265221, MONDO:0000171.
Autosomal recessive limb-girdle muscular dystrophy. Identifiers: Orphanet 102015, MedGen C2931907, MONDO:0015152.
Muscular dystrophy-dystroglycanopathy (congenital with brain and eye anomalies), type A5. Also called: WALKER-WARBURG SYNDROME OR MUSCLE-EYE-BRAIN DISEASE, FKRP-RELATED; MUSCULAR DYSTROPHY-DYSTROGLYCANOPATHY (CONGENITAL WITH BRAIN AND EYE ANOMALIES), TYPE A, 5. Identifiers: Orphanet 588, Orphanet 899, MedGen C3150413, MONDO:0013157, OMIM 613153.
Muscular dystrophy-dystroglycanopathy type B5 (MDDGB5). Also called: MUSCULAR DYSTROPHY, CONGENITAL, 1C; MUSCULAR DYSTROPHY, CONGENITAL, FKRP-RELATED; MUSCULAR DYSTROPHY-DYSTROGLYCANOPATHY (CONGENITAL WITH OR WITHOUT IMPAIRED INTELLECTUAL DEVELOPMENT), TYPE B, 5. Identifiers: MedGen C1847759, MONDO:0011688, OMIM 606612.
Autosomal recessive limb-girdle muscular dystrophy type 2I. Also called: MUSCULAR DYSTROPHY, LIMB-GIRDLE, TYPE 2I; MUSCULAR DYSTROPHY-DYSTROGLYCANOPATHY (LIMB-GIRDLE), TYPE C, 5; MUSCULAR DYSTROPHY-DYSTROGLYCANOPATHY, LIMB-GIRDLE, FRKP-RELATED. Identifiers: Orphanet 34515, MedGen C1846672, MONDO:0011787, OMIM 607155.

Submissions (12):

Labcorp Genetics (formerly Invitae), Labcorp
Classification: Pathogenic for Walker-Warburg congenital muscular dystrophy. Last evaluated: 2026-01-17. Review status: criteria provided, single submitter. Criteria: Invitae Variant Classification Sherloc (09022015). Collection method: clinical testing. Allele origin: germline.
Comment: This sequence change creates a premature translational stop signal (p.Phe56Glyfs*6) in the FKRP gene. While this is not anticipated to result in nonsense mediated decay, it is expected to disrupt the last 440 amino acid(s) of the FKRP protein. This variant is present in population databases (no rsID available, gnomAD 0.002%). This premature translational stop signal has been observed in individuals with FKRP-related conditions (PMID: 11592034, 18160674). ClinVar contains an entry for this variant (Variation ID: 282866). This variant disrupts a region of the FKRP protein in which other variant(s) (p.Q460*) have been determined to be pathogenic (PMID: 16476814; internal data). This suggests that this is a clinically significant region of the protein, and that variants that disrupt it are likely to be disease-causing. For these reasons, this variant has been classified as Pathogenic.

Natera, Inc.
Classification: Pathogenic for Limb-girdle muscular dystrophy type 2I. Last evaluated: 2025-11-21. Review status: criteria provided, single submitter. Criteria: Natera Variant Classification Schema (03/2026). Collection method: clinical testing. Allele origin: germline.
Comment: The c.162_165dupGGAG variant in FKRP is a frameshift variant predicted to shift the reading frame beginning at codon 56 and leads to a stop codon 6 codons downstream. This variant is expected to result in nonsense mediated decay, truncation, or a dysfunctional protein product. This variant is rare in the general population with a frequency below the threshold expected for the associated phenotype(s). This variant has been observed in one or more individuals affected with the associated recessive disease, as either homozygous or compound heterozygous with a second variant (PMID: 2868874). Given the available evidence, this variant is classified as Pathogenic.

Ambry Genetics
Classification: Pathogenic for Cardiovascular phenotype. Last evaluated: 2025-02-26. Review status: criteria provided, single submitter. Criteria: Ambry Variant Classification Scheme 2023. Collection method: clinical testing. Allele origin: germline.
Comment: The c.162_165dupGGAG pathogenic mutation, located in coding exon 1 of the FKRP gene, results from a duplication of GGAG at nucleotide position 162, causing a translational frameshift with a predicted alternate stop codon (p.F56Gfs*6). This variant (also referred to as 165insGGAG) has been identified in the homozygous state and/or in conjunction with other FKRP variant(s) in individual(s) with features consistent with FKRP-related dystroglycanopathies (Brockington M et al. Am J Hum Genet, 2001 Dec;69:1198-209; Charlton R et al. Neuromuscul Disord, 2009 Jul;19:449-57; Murphy LB et al. Ann Clin Transl Neurol, 2020 May;7:757-766). This variant is considered to be rare based on population cohorts in the Genome Aggregation Database (gnomAD). This alteration is expected to result in loss of function by premature protein truncation or nonsense-mediated mRNA decay. As such, this alteration is interpreted as a disease-causing mutation.

Women's Health and Genetics/Laboratory Corporation of America, LabCorp
Classification: Pathogenic for Autosomal recessive limb-girdle muscular dystrophy. Last evaluated: 2024-08-09. Review status: criteria provided, single submitter. Criteria: LabCorp Variant Classification Summary - May 2015. Collection method: clinical testing. Allele origin: germline.
Comment: Variant summary: FKRP c.162_165dupGGAG (p.Phe56GlyfsX6) results in a premature termination codon, predicted to cause a truncation of the encoded protein or absence of the protein due to nonsense mediated decay, which are commonly known mechanisms for disease. The variant allele was found at a frequency of 8.6e-06 in 232120 control chromosomes. c.162_165dupGGAG has been reported in the literature in individuals affected with Limb-Girdle Muscular Dystrophy, Autosomal Recessive. Additionally, variants downstream of this position have been classified as pathogenic by our lab. To our knowledge, no experimental evidence demonstrating an impact on protein function has been reported. ClinVar contains an entry for this variant (Variation ID: 282866). Based on the evidence outlined above, the variant was classified as pathogenic.

Fulgent Genetics
Classification: Likely pathogenic for Muscular dystrophy-dystroglycanopathy type B5; Autosomal recessive limb-girdle muscular dystrophy type 2I; Muscular dystrophy-dystroglycanopathy (congenital with brain and eye anomalies), type A5. Last evaluated: 2024-03-29. Review status: criteria provided, single submitter. Criteria: ACMG Guidelines, 2015. Collection method: clinical testing. Allele origin: germline.

Baylor Genetics
Classification: Pathogenic for Muscular dystrophy-dystroglycanopathy (congenital with brain and eye anomalies), type A5. Last evaluated: 2023-08-31. Review status: criteria provided, single submitter. Criteria: ACMG Guidelines, 2015. Collection method: clinical testing. Allele origin: unknown.

Mayo Clinic Laboratories, Mayo Clinic
Classification: Pathogenic. Last evaluated: 2023-06-21. Review status: criteria provided, single submitter. Criteria: ACMG Guidelines, 2015. Collection method: clinical testing. Allele origin: germline. Observed: 1 variant allele.
Comment: PM2, PS4_moderate, PVS1

ARUP Laboratories, Molecular Genetics and Genomics, ARUP Laboratories
Classification: Pathogenic. Last evaluated: 2022-03-24. Review status: criteria provided, single submitter. Criteria: ARUP Molecular Germline Variant Investigation Process 2021. Collection method: clinical testing. Allele origin: germline.
Comment: The FKRP c.162_165dup; p.Phe56GlyfsTer6 variant (rs886042506; also reported as 165InsGGAG; ClinVar Variation ID: 282866), has been previously identified in trans with other pathogenic variants in FKRP in at least two patients with symptoms of congenital muscular dystrophy and reduced glycosylated alpha-dystroglycan (Brockington 2001 and Peat 2008). This variant is only observed on two alleles in the Genome Aggregation Database, indicating it is not a common polymorphism. This variant results in a premature termination codon in the last (and only coding) exon of the FKRP gene. While this may not lead to nonsense-mediated decay, it is expected to create a truncated protein that would include a sequence of 6 amino acid residues not usually present. Additionally, several downstream truncating variants have been described in individuals with FKRP-related muscular dystrophy and are considered pathogenic (Selected references: Brockington 2001 and Matsumoto 2005). Based on the available information, the p.Phe56GlyfsTer6 variant is considered pathogenic. References: Brockington M et al. Mutations in the fukutin-related protein gene (FKRP) cause a form of congenital muscular dystrophy with secondary laminin alpha2 deficiency and abnormal glycosylation of alpha-dystroglycan. Am J Hum Genet. 2001 Dec;69(6):1198-209. PMID: 11592034 Matsumoto H et al. Congenital muscular dystrophy with glycosylation defects of alpha-dystroglycan in Japan. Neuromuscul Disord. 2005 May;15(5):342-8. PMID: 15833426. Peat RA et al. Diagnosis and etiology of congenital muscular dystrophy. Neurology. 2008 Jul 29;71(5):312-21. PMID: 18160674.

Blueprint Genetics
Classification: Pathogenic for FKRP-related disorders. Last evaluated: 2020-01-03. Review status: criteria provided, single submitter. Criteria: ACMG Guidelines, 2015. Collection method: clinical testing. Allele origin: germline. Affected: yes. Observed: 5 variant alleles.

Eurofins Ntd Llc (ga)
Classification: Pathogenic. Last evaluated: 2015-08-25. Review status: criteria provided, single submitter. Criteria: EGL Classification Definitions. Collection method: clinical testing. Allele origin: germline. Observed: 1 variant allele, 1 heterozygote.

Center for Genomics, Ann and Robert H. Lurie Children's Hospital of Chicago
Classification: Pathogenic for Muscular dystrophy-dystroglycanopathy type B5; Autosomal recessive limb-girdle muscular dystrophy type 2I; Muscular dystrophy-dystroglycanopathy (congenital with brain and eye anomalies), type A5. Review status: criteria provided, single submitter. Criteria: ACMG Guidelines, 2015. Collection method: clinical testing. Allele origin: germline.
Comment: FKRP NM_024301.4 ex 4 p.Phe56Glyfs*6 (c.162_165dup): This variant has been reported in the literature in at least one individual with autosomal congenital muscular dystrophy (Brockington 2001 PMID:11592034). This variant is present in 0.001% (2/104602) of European alleles in the Genome Aggregation Database and is present in ClinVar, with several labs classifying this variant as pathogenic (Variation ID:282866). Evolutionary conservation and computational predictive tools for this variant are limited or unavailable. This variant creates a premature stop codon 6 amino acids downstream from this location which results in an absent or abnormal protein. Loss of function variants have been reported in association with disease for this gene (Thornhill 2008 PMID:18477595). In summary, this variant is classified as pathogenic based on the data above.

Counsyl
Classification: Pathogenic for Autosomal recessive limb-girdle muscular dystrophy type 2I. Last evaluated: 2017-02-01. Review status: no assertion criteria provided. Collection method: clinical testing. Allele origin: unknown. Not counted in ClinVar's aggregate classification.

Literature cited by the submitters: PubMed 11592034 (cited by 4 submitters); PubMed 18160674 (cited by 3 submitters); PubMed 16476814 (cited by 3 submitters); PubMed 2868874 (cited by Natera, Inc.); PubMed 19556129 (cited by Ambry Genetics); PubMed 32342672 (cited by Ambry Genetics); PubMed 25560911 (cited by Mayo Clinic Laboratories, Mayo Clinic); PubMed 34379075 (cited by Mayo Clinic Laboratories, Mayo Clinic).